The following is an entry in ClinVar:

NM_007375.4(TARDBP):c.*81_*84del

Gene: TARDBP (TAR DNA binding protein; plus strand). Cytogenetic location: 1p36.22.
Variant type: Deletion.
Coding change: c.*81_*84del on transcript NM_007375.4 (MANE Select); 81 bases downstream of the stop codon through 84 bases downstream of the stop codon, 4 bases deleted (CATA; older notation c.*81_*84delCATA).
Molecular consequence: 3 prime UTR variant.
Genome position (GRCh38, 1-based): chr1:11,022,735-11,022,738, CATA deleted; deleting any 4 consecutive bases within chr1:11,022,732-11,022,738 gives the same sequence; the c. name uses the placement nearest the transcript's 3' end. VCF-style (leftmost placement, unchanged base first): chr1-11022731-AATAC-A. GRCh37 (hg19) VCF-style: chr1-11082788-AATAC-A.
Identifiers: ClinVar variation 2462079 (VCV002462079.3), dbSNP rs961045655, ClinGen allele CA17876623.
Genomic context (GRCh38, chr1:11,022,731, plus strand): 5'-TGGTTGGTATAGAATGGTGGGAATTCAAATTTTTCTAAACTCATGGTAAGTATATTGTAA[AATAC>A]ATATGTACTAAGAATTTTCAAAATTGGTTTGTTCAGTGTGGAGTATATTCAGCAGTATTT-3'

ClinVar aggregate classification (germline): Likely benign. Review status: criteria provided, single submitter (1 of 4 stars). 2 submissions from 2 submitters: Likely benign (1). 1 of the submissions does not count toward it. Last evaluated 2023-01-20.

Conditions:
Inborn genetic diseases. Identifiers: MedGen C0950123, MeSH D030342.
TARDBP-related disorder. Also called: TARDBP-related condition.

Submissions (2):

Ambry Genetics
Classification: Likely benign for Inborn genetic diseases. Last evaluated: 2023-01-20. Review status: criteria provided, single submitter. Criteria: Ambry Variant Classification Scheme 2023. Collection method: clinical testing. Allele origin: germline.

PreventionGenetics, part of Exact Sciences
Classification: Uncertain significance for TARDBP-related condition. Last evaluated: 2024-05-22. Review status: no assertion criteria provided. Collection method: clinical testing. Allele origin: germline. Not counted in ClinVar's aggregate classification.
Comment: The TARDBP c.*81_*84delCATA variant is located in the 3' untranslated region. This variant has been reported in an individual with familial amyotrophic lateral sclerosis (Keller et al. 2012. PubMed ID: 22941224). Based on available splicing prediction programs, this variant is not predicted to affect splicing; however, prediction programs are imperfect and we cannot be certain of the biological impact of this particular variant. This variant is reported in 0.069% of alleles in individuals of African descent in gnomAD. At this time, the clinical significance of this variant is uncertain due to the absence of conclusive functional and genetic evidence.